The following is an entry in ClinVar:

ClinVar aggregate classification (germline): Likely benign (1 of 4 stars; one submission).

Submission:

CeGaT Center for Human Genetics Tuebingen
Classification: Likely benign. Last evaluated: 2024-11-01. Review status: criteria provided, single submitter. Criteria: CeGaT Center For Human Genetics Tuebingen Variant Classification Criteria Version 2. Collection method: clinical testing. Allele origin: germline. Affected: yes. Observed: 2 variant alleles.
Comment: BRD4: BP4, BP7

NM_001379291.1(BRD4):c.2277G>C (p.Pro759=)

Gene: BRD4 (bromodomain containing 4; minus strand). Cytogenetic location: 19p13.12.
Variant type: single nucleotide variant.
Coding change: c.2277G>C on transcript NM_001379291.1 (MANE Select); coding-DNA position 2277, G replaced by C.
Protein change: p.Pro759=; no amino-acid change (proline 759 retained).
Molecular consequence: synonymous variant.
Genome position (GRCh38, 1-based): chr19:15,244,535, C>G on the plus strand (G>C on the coding strand, the complement: BRD4 is on the minus strand). VCF-style: chr19-15244535-C-G. GRCh37 (hg19) VCF-style: chr19-15355346-C-G.
Other names: c.2277G>C, p.Pro759= (NM_058243.3).
Identifiers: ClinVar variation 2498763 (VCV002498763.28), dbSNP rs762354250, ClinGen allele CA506080537.